The following is an entry in ClinVar:

NM_000218.3(KCNQ1):c.1440G>A (p.Met480Ile)

Genes: KCNQ1 (potassium voltage-gated channel subfamily Q member 1; plus strand), KCNQ1OT1 (KCNQ1 opposite strand/antisense transcript 1; minus strand). Cytogenetic location: 11p15.5.
Variant type: single nucleotide variant.
Coding change: c.1440G>A on transcript NM_000218.3 (MANE Select); coding-DNA position 1440, G replaced by A.
Protein change: p.Met480Ile; replaces methionine 480 with isoleucine.
Molecular consequence: missense variant. On other transcripts: non-coding transcript variant (1).
Genome position (GRCh38, 1-based): chr11:2,662,007, G>A. VCF-style: chr11-2662007-G-A. GRCh37 (hg19) VCF-style: chr11-2683237-G-A.
Other names: c.1344G>A, p.Met448Ile (NM_001406836.1); c.1170G>A, p.Met390Ile (NM_001406837.1); c.900G>A, p.Met300Ile (NM_001406838.1); c.1059G>A, p.Met353Ile (NM_181798.2); short protein forms M480I, M390I, M300I, M448I, M353I.
Identifiers: ClinVar variation 3862979 (VCV003862979.2).

ClinVar aggregate classification (germline): Uncertain significance. Review status: criteria provided, multiple submitters, no conflicts (2 of 4 stars). 2 submissions from 2 submitters: Uncertain significance (2). Last evaluated 2025-09-05.

Conditions:
Cardiovascular phenotype. Identifiers: MedGen CN230736.
Long QT syndrome (LQTS). Identifiers: MedGen C0023976, MeSH D008133, MONDO:0002442. Disease mechanism: loss of function. Inheritance: Various modes of inheritance.

gnomAD v4.1: 2 of 1,614,216 alleles (0.00012%); highest among the groups gnomAD compares: Non-Finnish European, 0.00017%; no homozygotes.

Submissions (2):

Labcorp Genetics (formerly Invitae), Labcorp
Classification: Uncertain significance for Long QT syndrome. Last evaluated: 2025-09-05. Review status: criteria provided, single submitter. Criteria: Invitae Variant Classification Sherloc (09022015). Collection method: clinical testing. Allele origin: germline.
Comment: This sequence change replaces methionine, which is neutral and non-polar, with isoleucine, which is neutral and non-polar, at codon 480 of the KCNQ1 protein (p.Met480Ile). This variant is not present in population databases (gnomAD no frequency). This variant has not been reported in the literature in individuals affected with KCNQ1-related conditions. ClinVar contains an entry for this variant (Variation ID: 3862979). Invitae Evidence Modeling of protein sequence and biophysical properties (such as structural, functional, and spatial information, amino acid conservation, physicochemical variation, residue mobility, and thermodynamic stability) indicates that this missense variant is not expected to disrupt KCNQ1 protein function with a negative predictive value of 95%. In summary, the available evidence is currently insufficient to determine the role of this variant in disease. Therefore, it has been classified as a Variant of Uncertain Significance.

Ambry Genetics
Classification: Uncertain significance for Cardiovascular phenotype. Last evaluated: 2024-12-11. Review status: criteria provided, single submitter. Criteria: Ambry Variant Classification Scheme 2023. Collection method: clinical testing. Allele origin: germline.
Comment: The p.M480I variant (also known as c.1440G>A), located in coding exon 11 of the KCNQ1 gene, results from a G to A substitution at nucleotide position 1440. The methionine at codon 480 is replaced by isoleucine, an amino acid with highly similar properties. This amino acid position is poorly conserved in available vertebrate species. In addition, the in silico prediction for this alteration is inconclusive. Based on the available evidence, the clinical significance of this variant remains unclear.